The following is an entry in ClinVar:

ClinVar aggregate classification (germline): Benign (1 of 4 stars; one submission).

Allele frequency attached by ClinVar (database versions not stated): gnomAD exomes 0.45038; gnomAD 0.55160 and 0.55842; TOPMed 0.55941; 1000 Genomes Project 0.56390; 1000 Genomes Project 30x 0.57058.
gnomAD v4.1: 339,066 of 718,506 alleles (47%); highest among the groups gnomAD compares: African/African-American, 82%; 85,046 homozygotes.

Submission:

GeneDx
Classification: Benign. Last evaluated: 2018-06-14. Review status: criteria provided, single submitter. Criteria: GeneDx Variant Classification (06012015). Collection method: clinical testing. Allele origin: germline. Affected: yes.
Comment: This variant is considered likely benign or benign based on one or more of the following criteria: it is a conservative change, it occurs at a poorly conserved position in the protein, it is predicted to be benign by multiple in silico algorithms, and/or has population frequency not consistent with disease.

NM_025152.3(NUBPL):c.513+150A>G

Gene: NUBPL (NUBP iron-sulfur cluster assembly factor, mitochondrial; plus strand). Cytogenetic location: 14q12.
Variant type: single nucleotide variant.
Coding change: c.513+150A>G on transcript NM_025152.3 (MANE Select); 150 bases into the intron after coding-DNA position 513, A replaced by G.
Molecular consequence: intron variant.
Genome position (GRCh38, 1-based): chr14:31,673,724, A>G. VCF-style: chr14-31673724-A-G. GRCh37 (hg19) VCF-style: chr14-32142930-A-G.
Other names: c.225+150A>G (NM_001201573.2).
Identifiers: ClinVar variation 683234 (VCV000683234.1), dbSNP rs8013530, ClinGen allele CA13955772.